The following is an entry in ClinVar:

ClinVar aggregate classification (germline): Uncertain significance (1 of 4 stars; one submission).

Submission:

Labcorp Genetics (formerly Invitae), Labcorp
Classification: Uncertain significance. Last evaluated: 2022-07-03. Review status: criteria provided, single submitter. Criteria: Invitae Variant Classification Sherloc (09022015). Collection method: clinical testing. Allele origin: germline.
Comment: This variant has not been reported in the literature in individuals affected with PRPF4-related conditions. In summary, the available evidence is currently insufficient to determine the role of this variant in disease. Therefore, it has been classified as a Variant of Uncertain Significance. Experimental studies and prediction algorithms are not available or were not evaluated, and the functional significance of this variant is currently unknown. ClinVar contains an entry for this variant (Variation ID: 1474851). This variant is not present in population databases (gnomAD no frequency). This variant occurs in a non-coding region of the PRPF4 gene. It does not change the encoded amino acid sequence of the PRPF4 protein.

NC_000009.12:g.113275657C>T

Gene: PRPF4 (pre-mRNA splicing tri-snRNP complex factor PRPF4; plus strand). Cytogenetic location: 9q32.
Variant type: single nucleotide variant.
Genome position: GRCh38 VCF-style: chr9-113275657-C-T. GRCh37 (hg19) VCF-style: chr9-116037937-C-T.
Identifiers: ClinVar variation 1474851 (VCV001474851.7), dbSNP rs2118574727, ClinGen allele CA2573143779.